The following is an entry in ClinVar:

ClinVar aggregate classification (germline): Uncertain significance. Review status: criteria provided, multiple submitters, no conflicts (2 of 4 stars). 3 submissions from 3 submitters: Uncertain significance (3). Last evaluated 2023-12-21.

Conditions:
Fraser syndrome 1 (FRASRS1). Also called: CRYPTOPHTHALMOS WITH OTHER MALFORMATIONS. Identifiers: Orphanet 2052, MedGen C4551480, MONDO:0054737, OMIM 219000.

Allele frequency attached by ClinVar (database versions not stated): gnomAD 0.00001 and 0.00003; TOPMed 0.00004; gnomAD exomes 0.00011 and 0.00013; 1000 Genomes Project 30x 0.00016; ExAC 0.00025.
gnomAD v4.1: 157 of 1,606,328 alleles (0.0098%); highest among the groups gnomAD compares: South Asian, 0.033%; no homozygotes.

Submissions (3):

Labcorp Genetics (formerly Invitae), Labcorp
Classification: Uncertain significance. Last evaluated: 2023-12-21. Review status: criteria provided, single submitter. Criteria: Invitae Variant Classification Sherloc (09022015). Collection method: clinical testing. Allele origin: germline.
Comment: This sequence change replaces arginine, which is basic and polar, with glutamine, which is neutral and polar, at codon 1603 of the FRAS1 protein (p.Arg1603Gln). This variant is present in population databases (rs772059263, gnomAD 0.03%). This variant has not been reported in the literature in individuals affected with FRAS1-related conditions. ClinVar contains an entry for this variant (Variation ID: 905844). Advanced modeling of protein sequence and biophysical properties (such as structural, functional, and spatial information, amino acid conservation, physicochemical variation, residue mobility, and thermodynamic stability) performed at Invitae indicates that this missense variant is expected to disrupt FRAS1 protein function with a positive predictive value of 80%. In summary, the available evidence is currently insufficient to determine the role of this variant in disease. Therefore, it has been classified as a Variant of Uncertain Significance.

Fulgent Genetics
Classification: Uncertain significance for Fraser syndrome 1. Last evaluated: 2021-11-11. Review status: criteria provided, single submitter. Criteria: ACMG Guidelines, 2015. Collection method: clinical testing. Allele origin: unknown.

Illumina Laboratory Services, Illumina
Classification: Uncertain significance for Fraser syndrome 1. Last evaluated: 2018-01-12. Review status: criteria provided, single submitter. Criteria: ICSL Variant Classification Criteria 13 December 2019. Collection method: clinical testing. Allele origin: germline.

NM_025074.7(FRAS1):c.4808G>A (p.Arg1603Gln)

Gene: FRAS1 (Fraser extracellular matrix complex subunit 1; plus strand). Cytogenetic location: 4q21.21.
Variant type: single nucleotide variant.
Coding change: c.4808G>A on transcript NM_025074.7 (MANE Select); coding-DNA position 4808, G replaced by A.
Protein change: p.Arg1603Gln; replaces arginine 1603 with glutamine.
Molecular consequence: missense variant.
Genome position (GRCh38, 1-based): chr4:78,429,191, G>A. VCF-style: chr4-78429191-G-A. GRCh37 (hg19) VCF-style: chr4-79350345-G-A.
Other names: c.4808G>A, p.Arg1603Gln (NM_001166133.2); short protein forms R1603Q.
Identifiers: ClinVar variation 905844 (VCV000905844.7), dbSNP rs772059263, ClinGen allele CA2977333.
Genomic context (GRCh38, chr4:78,429,191, plus strand): 5'-TCACCATTCACTTACTTCCCAGTGATCAGCAACTGCCAGTGTTCCAGGTCACAGCTCCAC[G>A]GCTGGCGGTCAGCCCAGGAGGCAGCACTTCTGTAGGTAAGAACTGGGAGCCTGATAGAAA-3'
Protein context (NP_079350.5, residues 1593-1613): QLPVFQVTAP[Arg1603Gln]LAVSPGGSTS